The following is an entry in ClinVar:

NM_000222.3(KIT):c.2077A>G (p.Lys693Glu)

Gene: KIT (KIT proto-oncogene, receptor tyrosine kinase; plus strand). Cytogenetic location: 4q12.
Variant type: single nucleotide variant.
Coding change: c.2077A>G on transcript NM_000222.3 (MANE Select); coding-DNA position 2077, A replaced by G.
Protein change: p.Lys693Glu; replaces lysine 693 with glutamic acid.
Molecular consequence: missense variant.
Genome position (GRCh38, 1-based): chr4:54,729,421, A>G. VCF-style: chr4-54729421-A-G. GRCh37 (hg19) VCF-style: chr4-55595587-A-G.
Other names: c.2065A>G, p.Lys689Glu (NM_001093772.2, NM_001385286.1); c.2080A>G, p.Lys694Glu (NM_001385284.1, NM_001385290.1); c.2077A>G, p.Lys693Glu (NM_001385285.1); c.2068A>G, p.Lys690Glu (NM_001385288.1, NM_001385292.1); short protein forms K694E, K689E, K690E, K693E.
Identifiers: ClinVar variation 1785476 (VCV001785476.2), dbSNP rs2109786546, ClinGen allele CA356909640.
Genomic context (GRCh38, chr4:54,729,421, plus strand): 5'-TGTTGCTATGGTGATCTTTTGAATTTTTTGAGAAGAAAACGTGATTCATTTATTTGTTCA[A>G]AGCAGGAAGATCATGCAGAAGCTGCACTTTATAAGAATCTTCTGCATTCAAAGGAGTCTT-3'
Protein context (NP_000213.1, residues 683-703): RRKRDSFICS[Lys693Glu]QEDHAEAALY

ClinVar aggregate classification (germline): Uncertain significance (1 of 4 stars; one submission).

Conditions:
Hereditary cancer-predisposing syndrome. Also called: Neoplastic Syndromes, Hereditary; Tumor predisposition; Hereditary Cancer Syndrome; Hereditary neoplastic syndrome. Identifiers: Orphanet 140162, MedGen C0027672, MeSH D009386, MONDO:0015356.

Submission:

Ambry Genetics
Classification: Uncertain significance for Hereditary cancer-predisposing syndrome. Last evaluated: 2022-09-25. Review status: criteria provided, single submitter. Criteria: Ambry Variant Classification Scheme 2023. Collection method: clinical testing. Allele origin: germline.
Comment: The p.K693E variant (also known as c.2077A>G), located in coding exon 14 of the KIT gene, results from an A to G substitution at nucleotide position 2077. The lysine at codon 693 is replaced by glutamic acid, an amino acid with similar properties. This amino acid position is conserved. In addition, this alteration is predicted to be deleterious by in silico analysis. Since supporting evidence is limited at this time, the clinical significance of this alteration remains unclear.